The following is an entry in ClinVar:

NM_001129.5(AEBP1):c.3040dup (p.Gln1014fs)

Gene: AEBP1 (AE binding protein 1; plus strand). Cytogenetic location: 7p13.
Variant type: Duplication.
Coding change: c.3040dup on transcript NM_001129.5 (MANE Select); coding-DNA position 3040, one base duplicated (C; older notation c.3040dupC).
Protein change: p.Gln1014fs; shifts the reading frame from glutamine 1014.
Molecular consequence: frameshift variant.
Genome position (GRCh38, 1-based): chr7:44,113,824, C duplicated; the last of 6 consecutive C bases (chr7:44,113,819-44,113,824); duplicating any one gives the same sequence. VCF-style (leftmost placement, unchanged base first): chr7-44113818-A-AC. GRCh37 (hg19) VCF-style: chr7-44153417-A-AC.
Other names: short protein forms Q1014fs.
Identifiers: ClinVar variation 1500111 (VCV001500111.4), dbSNP rs767004468, ClinGen allele CA4238384.
Genomic context (GRCh38, chr7:44,113,818, plus strand): 5'-GAGATCATGGCCATGAACGGGAACCGGCCTATCCCACACATAGACCCATCGCGCCCTATG[A>AC]CCCCCCAACAGCGACGCCTGCAGCAGCGACGCCTACAACACCGCCTGCGGCTTCGGGCAC-3'

ClinVar aggregate classification (germline): Uncertain significance (1 of 4 stars; one submission).

Submission:

Labcorp Genetics (formerly Invitae), Labcorp
Classification: Uncertain significance. Last evaluated: 2024-10-15. Review status: criteria provided, single submitter. Criteria: Invitae Variant Classification Sherloc (09022015). Collection method: clinical testing. Allele origin: germline.
Comment: This sequence change creates a premature translational stop signal (p.Gln1014Profs*71) in the AEBP1 gene. While this is not anticipated to result in nonsense mediated decay, it is expected to disrupt the last 145 amino acid(s) of the AEBP1 protein. This variant is present in population databases (rs767004468, gnomAD 0.05%). This variant has not been reported in the literature in individuals affected with AEBP1-related conditions. ClinVar contains an entry for this variant (Variation ID: 1500111). Experimental studies and prediction algorithms are not available or were not evaluated, and the functional significance of this variant is currently unknown. In summary, the available evidence is currently insufficient to determine the role of this variant in disease. Therefore, it has been classified as a Variant of Uncertain Significance.